The following is an entry in ClinVar:

ClinVar aggregate classification (germline): Uncertain significance (1 of 4 stars; one submission).

Allele frequency attached by ClinVar (database versions not stated): gnomAD exomes below 0.00001; ExAC 0.00001; TOPMed 0.00002; gnomAD 0.00004; 1000 Genomes Project 0.00020; 1000 Genomes Project 30x 0.00031.
gnomAD v4.1: 10 of 1,537,486 alleles (0.00065%); highest among the groups gnomAD compares: African/African-American, 0.014%; no homozygotes.

Submission:

Labcorp Genetics (formerly Invitae), Labcorp
Classification: Uncertain significance. Last evaluated: 2023-06-09. Review status: criteria provided, single submitter. Criteria: Invitae Variant Classification Sherloc (09022015). Collection method: clinical testing. Allele origin: germline.
Comment: In summary, the available evidence is currently insufficient to determine the role of this variant in disease. Therefore, it has been classified as a Variant of Uncertain Significance. Algorithms developed to predict the effect of missense changes on protein structure and function output the following: SIFT: "Not Available"; PolyPhen-2: "Benign"; Align-GVGD: "Not Available". The serine amino acid residue is found in multiple mammalian species, which suggests that this missense change does not adversely affect protein function. This variant has not been reported in the literature in individuals affected with PLEKHG2-related conditions. This variant is present in population databases (rs550247261, gnomAD 0.02%). This sequence change replaces proline, which is neutral and non-polar, with serine, which is neutral and polar, at codon 860 of the PLEKHG2 protein (p.Pro860Ser).

NM_022835.3(PLEKHG2):c.2578C>T (p.Pro860Ser)

Gene: PLEKHG2 (pleckstrin homology and RhoGEF domain containing G2; plus strand). Cytogenetic location: 19q13.2.
Variant type: single nucleotide variant.
Coding change: c.2578C>T on transcript NM_022835.3 (MANE Select); coding-DNA position 2578, C replaced by T.
Protein change: p.Pro860Ser; replaces proline 860 with serine.
Molecular consequence: missense variant. On other transcripts: intron variant (1).
Genome position (GRCh38, 1-based): chr19:39,423,632, C>T. VCF-style: chr19-39423632-C-T. GRCh37 (hg19) VCF-style: chr19-39914272-C-T.
Other names: c.2401C>T, p.Pro801Ser (NM_001351693.2); c.1677+1344C>T (NM_001351694.2); short protein forms P801S, P860S.
Identifiers: ClinVar variation 2717515 (VCV002717515.3), dbSNP rs550247261, ClinGen allele CA9429811.